The following is an entry in ClinVar:

ClinVar aggregate classification (germline): Benign. Review status: criteria provided, multiple submitters, no conflicts (2 of 4 stars). 3 submissions from 3 submitters: Benign (3). Last evaluated 2024-07-15.

Allele frequency attached by ClinVar (database versions not stated): gnomAD 0.27164 and 0.27356; TOPMed 0.27244; ESP Exome Variant Server 0.27270; 1000 Genomes Project 0.27835; 1000 Genomes Project 30x 0.28045; ExAC 0.28982; gnomAD exomes 0.29053 and 0.29642.
gnomAD v4.1: 472,848 of 1,606,320 alleles (29%); highest among the groups gnomAD compares: South Asian, 33%; 70,418 homozygotes.

Submissions (3):

Unidad de Genómica Garrahan, Hospital de Pediatría Garrahan
Classification: Benign. Last evaluated: 2024-07-15. Review status: criteria provided, single submitter. Criteria: ACMG Guidelines, 2015. Collection method: clinical testing. Allele origin: germline. Affected: no. Observed: 33 variant alleles.
Comment: This variant is classified as Benign based on local population frequency. This variant was detected in 35% of patients studied in a panel designed for Epileptic and Developmental Encephalopathy and Progressive Myoclonus Epilepsy. Number of patients: 33. Only high quality variants are reported.

GeneDx
Classification: Benign. Last evaluated: 2019-08-20. Review status: criteria provided, single submitter. Criteria: GeneDx Variant Classification Process June 2021. Collection method: clinical testing. Allele origin: germline. Affected: yes.

Breakthrough Genomics
Classification: Benign. Review status: criteria provided, single submitter. Criteria: ACMG Guidelines, 2015. Collection method: not provided. Allele origin: germline. Inheritance: Autosomal recessive inheritance. Affected: yes.

NM_016341.4(PLCE1):c.4795+40C>T

Genes: PLCE1 (phospholipase C epsilon 1; plus strand), PLCE1-AS1 (PLCE1 antisense RNA 1; minus strand). Cytogenetic location: 10q23.33.
Variant type: single nucleotide variant.
Coding change: c.4795+40C>T on transcript NM_016341.4 (MANE Select); 40 bases into the intron after coding-DNA position 4795, C replaced by T.
Molecular consequence: intron variant. On other transcripts: non-coding transcript variant (1).
Genome position (GRCh38, 1-based): chr10:94,279,951, C>T. VCF-style: chr10-94279951-C-T. GRCh37 (hg19) VCF-style: chr10-96039708-C-T.
Other names: c.4747+40C>T (NM_001288989.2); c.3871+40C>T (NM_001165979.2).
Identifiers: ClinVar variation 1286352 (VCV001286352.4), dbSNP rs2274225, ClinGen allele CA5613229.